The following is an entry in ClinVar:

NM_003748.4(ALDH4A1):c.239A>G (p.Tyr80Cys)

Gene: ALDH4A1 (aldehyde dehydrogenase 4 family member A1; minus strand). Cytogenetic location: 1p36.13.
Variant type: single nucleotide variant.
Coding change: c.239A>G on transcript NM_003748.4 (MANE Select); coding-DNA position 239, A replaced by G.
Protein change: p.Tyr80Cys; replaces tyrosine 80 with cysteine.
Molecular consequence: missense variant.
Genome position (GRCh38, 1-based): chr1:18,889,372, T>C on the plus strand (A>G on the coding strand, the complement: ALDH4A1 is on the minus strand). VCF-style: chr1-18889372-T-C. GRCh37 (hg19) VCF-style: chr1-19215866-T-C.
Other names: c.59A>G, p.Tyr20Cys (NM_001161504.2); c.239A>G, p.Tyr80Cys (NM_001319218.2, NM_170726.3); short protein forms Y80C, Y20C.
Identifiers: ClinVar variation 2006046 (VCV002006046.4), dbSNP rs2522617077, ClinGen allele CA338764387.
Genomic context (GRCh38, chr1:18,889,372, plus strand): 5'-GGTCACATATTCAGGGGAGGGGCTGAGCTCTGCCCACCCGCTGGACATACCGACACTTGG[T>C]ACTGCACGTCCGACGTCCACACCTCCTCATCCCCCACCACGCATGGGATGGCTTCCATCC-3'
Protein context (NP_003739.2, residues 70-90): DEEVWTSDVQ[Tyr80Cys]QVSPFNHGHK

ClinVar aggregate classification (germline): Uncertain significance (1 of 4 stars; one submission).

Conditions:
Hyperprolinemia type 2 (HYRPRO2). Also called: 1-PYRROLINE-5-CARBOXYLATE DEHYDROGENASE DEFICIENCY; Delta-1-pyrroline-5-carboxylate dehydrogenase deficiency; Deficiency of pyrroline-5-carboxylate reductase. Identifiers: Orphanet 79101, MedGen C2931835, MONDO:0009401, OMIM 239510.

Submission:

Labcorp Genetics (formerly Invitae), Labcorp
Classification: Uncertain significance for Hyperprolinemia type 2. Last evaluated: 2025-10-21. Review status: criteria provided, single submitter. Criteria: Invitae Variant Classification Sherloc (09022015). Collection method: clinical testing. Allele origin: germline.
Comment: This sequence change replaces tyrosine, which is neutral and polar, with cysteine, which is neutral and slightly polar, at codon 80 of the ALDH4A1 protein (p.Tyr80Cys). This variant is not present in population databases (gnomAD no frequency). This variant has not been reported in the literature in individuals affected with ALDH4A1-related conditions. ClinVar contains an entry for this variant (Variation ID: 2006046). An algorithm developed to predict the effect of missense changes on protein structure and function (PolyPhen-2) suggests that this variant is likely to be disruptive. In summary, the available evidence is currently insufficient to determine the role of this variant in disease. Therefore, it has been classified as a Variant of Uncertain Significance.